The following is an entry in ClinVar:

ClinVar aggregate classification (germline): Likely benign. Review status: criteria provided, multiple submitters, no conflicts (2 of 4 stars). 2 submissions from 2 submitters: Likely benign (2). Last evaluated 2026-08-31.

Conditions:
PAX6-related disorder. Also called: PAX6-related disorders; PAX6-related condition.
Aniridia 1 (AN1). Identifiers: Orphanet 250923, MedGen C0344542, MONDO:0024507, OMIM 106210.
Irido-corneo-trabecular dysgenesis (ASGD5). Also called: ANTERIOR SEGMENT DYSGENESIS 5. Identifiers: Orphanet 708, MedGen C0344559, MONDO:0011414, OMIM 604229, HP:0000659.

gnomAD v4.1: 13 of 1,613,846 alleles (0.00081%); highest among the groups gnomAD compares: Non-Finnish European, 0.0011%; no homozygotes.

Submissions (2):

PreventionGenetics, part of Exact Sciences
Classification: Likely benign for PAX6-related condition. Last evaluated: 2026-08-31. Review status: criteria provided, single submitter. Criteria: ACMG Guidelines, 2015. Collection method: clinical testing. Allele origin: germline.
Comment: This variant is classified as likely benign based on ACMG/AMP sequence variant interpretation guidelines (Richards et al. 2015 PMID: 25741868, with internal and published modifications).

Labcorp Genetics (formerly Invitae), Labcorp
Classification: Likely benign for Aniridia 1; Irido-corneo-trabecular dysgenesis. Last evaluated: 2024-12-30. Review status: criteria provided, single submitter. Criteria: Invitae Variant Classification Sherloc (09022015). Collection method: clinical testing. Allele origin: germline.

NM_001368894.2(PAX6):c.1209G>A (p.Ser403=)

Gene: PAX6 (paired box 6; minus strand). Cytogenetic location: 11p13.
Variant type: single nucleotide variant.
Coding change: c.1209G>A on transcript NM_001368894.2 (MANE Select); coding-DNA position 1209, G replaced by A.
Protein change: p.Ser403=; no amino-acid change (serine 403 retained).
Molecular consequence: synonymous variant. On other transcripts: non-coding transcript variant (1), intron variant (9).
Genome position (GRCh38, 1-based): chr11:31,790,726, C>T on the plus strand (G>A on the coding strand, the complement: PAX6 is on the minus strand). VCF-style: chr11-31790726-C-T. GRCh37 (hg19) VCF-style: chr11-31812274-C-T.
Other names: c.759G>A, p.Ser253= (NM_001368906.2, NM_001368907.2, NM_001368908.2 and 10 more transcripts); c.1410G>A, p.Ser470= (NM_001368910.2); c.1284G>A, p.Ser428= (NM_001368918.2, NM_001368919.2); c.1242G>A, p.Ser414= (NM_001368920.2); c.1008G>A, p.Ser336= (NM_001368922.2, NM_001368923.2, NM_001368924.2 and 3 more transcripts); c.966G>A, p.Ser322= (NM_001368928.2); c.564G>A, p.Ser188= (NM_001368930.2); c.1209G>A, p.Ser403= (NM_001604.6, NM_001368892.2, NM_001368893.2 and 3 more transcripts); and 7 more.
Identifiers: ClinVar variation 3761924 (VCV003761924.3).